The following is an entry in ClinVar:

NM_000535.7(PMS2):c.940A>G (p.Asn314Asp)

Gene: PMS2 (PMS1 homolog 2, mismatch repair system component; minus strand). Cytogenetic location: 7p22.1.
Variant type: single nucleotide variant.
Coding change: c.940A>G on transcript NM_000535.7 (MANE Select); coding-DNA position 940, A replaced by G.
Protein change: p.Asn314Asp; replaces asparagine 314 with aspartic acid.
Molecular consequence: missense variant. On other transcripts: non-coding transcript variant (1), intron variant (1).
Genome position (GRCh38, 1-based): chr7:5,992,021, T>C on the plus strand (A>G on the coding strand, the complement: PMS2 is on the minus strand). VCF-style: chr7-5992021-T-C. GRCh37 (hg19) VCF-style: chr7-6031652-T-C.
Other names: c.535A>G, p.Asn179Asp (NM_001018040.1, NM_001322003.2, NM_001322004.2 and 20 more transcripts); c.940A>G, p.Asn314Asp (NM_001322006.2, NM_001322014.2, NM_001406870.1 and 2 more transcripts); c.622A>G, p.Asn208Asp (NM_001322007.2, NM_001322008.2, NM_001406876.1 and 4 more transcripts); c.7A>G, p.Asn3Asp (NM_001322011.2, NM_001322012.2); c.367A>G, p.Asn123Asp (NM_001322013.2, NM_001406909.1); c.631A>G, p.Asn211Asp (NM_001322015.2, NM_001406875.1, NM_001406877.1 and 6 more transcripts); c.1126A>G, p.Asn376Asp (NM_001406866.1); c.964A>G, p.Asn322Asp (NM_001406868.1); and 8 more; short protein forms N211D, N314D, N376D, N179D, N192D, N202D, N248D, N258D.
Identifiers: ClinVar variation 2586349 (VCV002586349.2), dbSNP rs2128755737, ClinGen allele CA366743151.

ClinVar aggregate classification (germline): Uncertain significance (1 of 4 stars; one submission).

Conditions:
Hereditary cancer-predisposing syndrome. Also called: Hereditary neoplastic syndrome; Tumor predisposition; Hereditary Cancer Syndrome; Neoplastic Syndromes, Hereditary. Identifiers: Orphanet 140162, MedGen C0027672, MeSH D009386, MONDO:0015356.

Allele frequency attached by ClinVar (database versions not stated): gnomAD exomes below 0.00001.
gnomAD v4.1: 1 of 1,603,352 alleles (0.000062%); no homozygotes.

Submission:

Ambry Genetics
Classification: Uncertain significance for Hereditary cancer-predisposing syndrome. Last evaluated: 2023-09-12. Review status: criteria provided, single submitter. Criteria: Ambry Variant Classification Scheme 2023. Collection method: clinical testing. Allele origin: germline.
Comment: The p.N314D variant (also known as c.940A>G), located in coding exon 9 of the PMS2 gene, results from an A to G substitution at nucleotide position 940. The asparagine at codon 314 is replaced by aspartic acid, an amino acid with highly similar properties. This amino acid position is conserved. In addition, the in silico prediction for this alteration is inconclusive. Since supporting evidence is limited at this time, the clinical significance of this alteration remains unclear.